The following is an entry in ClinVar:

ClinVar aggregate classification (germline): Benign/Likely benign. Review status: criteria provided, multiple submitters, no conflicts (2 of 4 stars). 3 submissions from 3 submitters: Benign (2); Likely benign (1). Last evaluated 2026-01-07.

Allele frequency attached by ClinVar (database versions not stated): TOPMed 0.00003; 1000 Genomes Project 30x 0.00031; 1000 Genomes Project 0.00040; gnomAD exomes 0.00059; ExAC 0.00089; gnomAD 0.00126.
gnomAD v4.1: 1,027 of 1,613,976 alleles (0.064%); highest among the groups gnomAD compares: Non-Finnish European, 0.0056%; 10 homozygotes.

Submissions (3):

Labcorp Genetics (formerly Invitae), Labcorp
Classification: Benign. Last evaluated: 2026-01-07. Review status: criteria provided, single submitter. Criteria: Invitae Variant Classification Sherloc (09022015). Collection method: clinical testing. Allele origin: germline.

Blueprint Genetics
Classification: Likely benign. Last evaluated: 2024-11-08. Review status: criteria provided, single submitter. Criteria: ACMG Guidelines, 2015. Collection method: clinical testing. Allele origin: germline.

CeGaT Center for Human Genetics Tuebingen
Classification: Benign. Last evaluated: 2023-09-01. Review status: criteria provided, single submitter. Criteria: CeGaT Center For Human Genetics Tuebingen Variant Classification Criteria Version 2. Collection method: clinical testing. Allele origin: germline. Affected: yes. Observed: 1 variant allele.
Comment: GANAB: BP4, BS1, BS2

NM_198334.3(GANAB):c.341G>A (p.Arg114His)

Gene: GANAB (glucosidase II alpha subunit; minus strand). Cytogenetic location: 11q12.3.
Variant type: single nucleotide variant.
Coding change: c.341G>A on transcript NM_198334.3 (MANE Select); coding-DNA position 341, G replaced by A.
Protein change: p.Arg114His; replaces arginine 114 with histidine.
Molecular consequence: missense variant. On other transcripts: 5 prime UTR variant (2), intron variant (2).
Genome position (GRCh38, 1-based): chr11:62,639,022, C>T on the plus strand (G>A on the coding strand, the complement: GANAB is on the minus strand). VCF-style: chr11-62639022-C-T. GRCh37 (hg19) VCF-style: chr11-62406494-C-T.
Other names: c.50G>A, p.Arg17His (NM_001278194.2, NM_001329222.2, NM_001329223.2); c.-436G>A (NM_001329224.2, NM_001329225.2); c.341G>A, p.Arg114His (NM_198335.4); c.39-4022G>A (NM_001278193.2, NM_001278192.2); short protein forms R114H, R17H.
Identifiers: ClinVar variation 2150368 (VCV002150368.29), dbSNP rs149876081, ClinGen allele CA6051129.